The following is an entry in ClinVar:

NM_033004.4(NLRP1):c.1803C>T (p.Ile601=)

Gene: NLRP1 (NLR family pyrin domain containing 1; minus strand). Cytogenetic location: 17p13.2.
Variant type: single nucleotide variant.
Coding change: c.1803C>T on transcript NM_033004.4 (MANE Select); coding-DNA position 1803, C replaced by T.
Protein change: p.Ile601=; no amino-acid change (isoleucine 601 retained).
Molecular consequence: synonymous variant.
Genome position (GRCh38, 1-based): chr17:5,558,893, G>A on the plus strand (C>T on the coding strand, the complement: NLRP1 is on the minus strand). VCF-style: chr17-5558893-G-A. GRCh37 (hg19) VCF-style: chr17-5462213-G-A.
Other names: c.1803C>T, p.Ile601= (NM_001033053.3, NM_014922.5, NM_033006.4 and 1 more transcripts).
Identifiers: ClinVar variation 735960 (VCV000735960.35), dbSNP rs61753141, ClinGen allele CA8327320.

ClinVar aggregate classification (germline): Benign/Likely benign. Review status: criteria provided, multiple submitters, no conflicts (2 of 4 stars). 3 submissions from 3 submitters: Benign (1); Likely benign (2). Last evaluated 2026-07-01.

Allele frequency attached by ClinVar (database versions not stated): 1000 Genomes Project 30x 0.00047; 1000 Genomes Project 0.00060; ESP Exome Variant Server 0.00077; TOPMed 0.00113; gnomAD 0.00128 and 0.00131; gnomAD exomes 0.00131; ExAC 0.00132.
gnomAD v4.1: 2,296 of 1,614,150 alleles (0.14%); highest among the groups gnomAD compares: Admixed American, 0.16%; 6 homozygotes.

Submissions (3):

CeGaT Center for Human Genetics Tuebingen
Classification: Likely benign. Last evaluated: 2026-07-01. Review status: criteria provided, single submitter. Criteria: CeGaT Center For Human Genetics Tuebingen Variant Classification Criteria Version 2. Collection method: clinical testing. Allele origin: germline. Affected: yes. Observed: 7 variant alleles.
Comment: NLRP1: BP4, BP7

Labcorp Genetics (formerly Invitae), Labcorp
Classification: Benign. Last evaluated: 2026-01-29. Review status: criteria provided, single submitter. Criteria: Invitae Variant Classification Sherloc (09022015). Collection method: clinical testing. Allele origin: germline.

Blueprint Genetics
Classification: Likely benign. Last evaluated: 2024-11-27. Review status: criteria provided, single submitter. Criteria: ACMG Guidelines, 2015. Collection method: clinical testing. Allele origin: germline.